The following is an entry in ClinVar:

NM_001127898.4(CLCN5):c.526G>A (p.Glu176Lys)

Gene: CLCN5 (Cl-/H+ antiporter 5; plus strand). Cytogenetic location: Xp11.23.
Variant type: single nucleotide variant.
Coding change: c.526G>A on transcript NM_001127898.4 (MANE Select); coding-DNA position 526, G replaced by A.
Protein change: p.Glu176Lys; replaces glutamic acid 176 with lysine.
Molecular consequence: missense variant.
Genome position (GRCh38, 1-based): chrX:50,075,905, G>A. VCF-style: chrX-50075905-G-A. GRCh37 (hg19) VCF-style: chrX-49840560-G-A.
Other names: c.316G>A, p.Glu106Lys (NM_000084.5); c.526G>A, p.Glu176Lys (NM_001127899.4); c.376G>A, p.Glu126Lys (NM_001282163.2); c.316G>A (NM_000084.2); short protein forms E106K, E126K, E176K.
Identifiers: ClinVar variation 2970359 (VCV002970359.4), dbSNP rs782753107, ClinGen allele CA10413741.

ClinVar aggregate classification (germline): Uncertain significance. Review status: criteria provided, multiple submitters, no conflicts (2 of 4 stars). 2 submissions from 2 submitters: Uncertain significance (2). Last evaluated 2025-12-02.

Conditions:
Inborn genetic diseases. Identifiers: MedGen C0950123, MeSH D030342.

Allele frequency attached by ClinVar (database versions not stated): gnomAD 0.00003; gnomAD exomes 0.00012; ExAC 0.00002; TOPMed 0.00003.
gnomAD v4.1: 133 of 1,209,834 alleles (0.011%); highest among the groups gnomAD compares: Non-Finnish European, 0.015%; no homozygotes.

Submissions (2):

Ambry Genetics
Classification: Uncertain significance for Inborn genetic diseases. Last evaluated: 2025-12-02. Review status: criteria provided, single submitter. Criteria: Ambry Variant Classification Scheme 2023. Collection method: clinical testing. Allele origin: germline.

Labcorp Genetics (formerly Invitae), Labcorp
Classification: Uncertain significance. Last evaluated: 2025-06-08. Review status: criteria provided, single submitter. Criteria: Invitae Variant Classification Sherloc (09022015). Collection method: clinical testing. Allele origin: germline.
Comment: This sequence change replaces glutamic acid, which is acidic and polar, with lysine, which is basic and polar, at codon 106 of the CLCN5 protein (p.Glu106Lys). This variant is present in population databases (rs782753107, gnomAD 0.004%). This variant has not been reported in the literature in individuals affected with CLCN5-related conditions. ClinVar contains an entry for this variant (Variation ID: 2970359). An algorithm developed to predict the effect of missense changes on protein structure and function outputs the following: PolyPhen-2: "Benign". The lysine amino acid residue is found in multiple mammalian species, which suggests that this missense change does not adversely affect protein function. In summary, the available evidence is currently insufficient to determine the role of this variant in disease. Therefore, it has been classified as a Variant of Uncertain Significance.